The following is an entry in ClinVar:

ClinVar aggregate classification (germline): Uncertain significance (1 of 4 stars; one submission).

Conditions:
Blau syndrome (BLAUS). Also called: GRANULOMATOSIS, FAMILIAL JUVENILE SYSTEMIC; GRANULOMATOSIS, FAMILIAL, BLAU TYPE; GRANULOMATOUS INFLAMMATORY ARTHRITIS, DERMATITIS, AND UVEITIS, FAMILIAL; JABS SYNDROME; ARTHROCUTANEOUVEAL GRANULOMATOSIS. Identifiers: Orphanet 90340, MedGen C5201146, MONDO:0008523, OMIM 186580.
Regional enteritis. Also called: Enteritis, Granulomatous. Identifiers: MedGen C0678202, MeSH D003424.

Submission:

Labcorp Genetics (formerly Invitae), Labcorp
Classification: Uncertain significance for Regional enteritis; Blau syndrome. Last evaluated: 2025-10-21. Review status: criteria provided, single submitter. Criteria: Invitae Variant Classification Sherloc (09022015). Collection method: clinical testing. Allele origin: germline.
Comment: This sequence change replaces histidine, which is basic and polar, with arginine, which is basic and polar, at codon 461 of the NOD2 protein (p.His461Arg). This variant is not present in population databases (gnomAD no frequency). This variant has not been reported in the literature in individuals affected with NOD2-related conditions. Invitae Evidence Modeling of protein sequence and biophysical properties (such as structural, functional, and spatial information, amino acid conservation, physicochemical variation, residue mobility, and thermodynamic stability) indicates that this missense variant is not expected to disrupt NOD2 protein function with a negative predictive value of 95%. In summary, the available evidence is currently insufficient to determine the role of this variant in disease. Therefore, it has been classified as a Variant of Uncertain Significance.

NM_001370466.1(NOD2):c.1301A>G (p.His434Arg)

Gene: NOD2 (nucleotide binding oligomerization domain containing 2; plus strand). Cytogenetic location: 16q12.1.
Variant type: single nucleotide variant.
Coding change: c.1301A>G on transcript NM_001370466.1 (MANE Select); coding-DNA position 1301, A replaced by G.
Protein change: p.His434Arg; replaces histidine 434 with arginine.
Molecular consequence: missense variant. On other transcripts: non-coding transcript variant (1).
Genome position (GRCh38, 1-based): chr16:50,711,293, A>G. VCF-style: chr16-50711293-A-G. GRCh37 (hg19) VCF-style: chr16-50745204-A-G.
Other names: c.1301A>G, p.His434Arg (NM_001293557.2); c.1382A>G, p.His461Arg (NM_022162.3); short protein forms H434R, H461R.
Identifiers: ClinVar variation 4795045 (VCV004795045.1).
Genomic context (GRCh38, chr16:50,711,293, plus strand): 5'-AGTTCAACCTCAAGGGCTTCTCTGAACAGGGCATCGAGCTGTACCTGAGGAAGCGCCATC[A>G]TGAGCCCGGGGTGGCGGACCGCCTCATCCGCCTGCTCCAAGAGACCTCAGCCCTGCACGG-3'
Protein context (NP_001357395.1, residues 424-444): GIELYLRKRH[His434Arg]EPGVADRLIR